The following is an entry in ClinVar:

ClinVar aggregate classification (germline): Uncertain significance. Review status: criteria provided, multiple submitters, no conflicts (2 of 4 stars). 4 submissions from 4 submitters: Uncertain significance (4). Last evaluated 2025-09-01.

Conditions:
Inborn genetic diseases. Identifiers: MedGen C0950123, MeSH D030342.

Allele frequency attached by ClinVar (database versions not stated): gnomAD 0.00004 and 0.00005; gnomAD exomes 0.00006; TOPMed 0.00006; ExAC 0.00010.
gnomAD v4.1: 102 of 1,610,456 alleles (0.0063%); highest among the groups gnomAD compares: Non-Finnish European, 0.0075%; no homozygotes.

Submissions (4):

Ambry Genetics
Classification: Uncertain significance for Inborn genetic diseases. Last evaluated: 2025-09-01. Review status: criteria provided, single submitter. Criteria: Ambry Variant Classification Scheme 2023. Collection method: clinical testing. Allele origin: germline.

Labcorp Genetics (formerly Invitae), Labcorp
Classification: Uncertain significance. Last evaluated: 2025-04-28. Review status: criteria provided, single submitter. Criteria: Invitae Variant Classification Sherloc (09022015). Collection method: clinical testing. Allele origin: germline.
Comment: This sequence change replaces histidine, which is basic and polar, with arginine, which is basic and polar, at codon 317 of the ESPN protein (p.His317Arg). This variant is present in population databases (rs746845549, gnomAD 0.01%). This variant has not been reported in the literature in individuals affected with ESPN-related conditions. ClinVar contains an entry for this variant (Variation ID: 1313446). An algorithm developed to predict the effect of missense changes on protein structure and function (PolyPhen-2) suggests that this variant is likely to be disruptive. In summary, the available evidence is currently insufficient to determine the role of this variant in disease. Therefore, it has been classified as a Variant of Uncertain Significance.

Blueprint Genetics
Classification: Uncertain significance. Last evaluated: 2024-07-16. Review status: criteria provided, single submitter. Criteria: ACMG Guidelines, 2015. Collection method: clinical testing. Allele origin: germline.

GeneDx
Classification: Uncertain significance. Last evaluated: 2020-10-29. Review status: criteria provided, single submitter. Criteria: GeneDx Variant Classification Process June 2021. Collection method: clinical testing. Allele origin: germline. Affected: yes.
Comment: In silico analysis supports that this missense variant has a deleterious effect on protein structure/function; Has not been previously published as pathogenic or benign to our knowledge

NM_031475.3(ESPN):c.950A>G (p.His317Arg)

Gene: ESPN (espin; plus strand). Cytogenetic location: 1p36.31.
Variant type: single nucleotide variant.
Coding change: c.950A>G on transcript NM_031475.3 (MANE Select); coding-DNA position 950, A replaced by G.
Protein change: p.His317Arg; replaces histidine 317 with arginine.
Molecular consequence: missense variant.
Genome position (GRCh38, 1-based): chr1:6,441,025, A>G. VCF-style: chr1-6441025-A-G. GRCh37 (hg19) VCF-style: chr1-6501085-A-G.
Other names: c.950A>G, p.His317Arg (NM_001367473.1, NM_001367474.1); short protein forms H317R.
Identifiers: ClinVar variation 1313446 (VCV001313446.8), dbSNP rs746845549, ClinGen allele CA560048.